The following is an entry in ClinVar:

ClinVar aggregate classification (germline): Uncertain significance (1 of 4 stars; one submission).

Conditions:
Cardiovascular phenotype. Identifiers: MedGen CN230736.

gnomAD v4.1: 2 of 1,614,000 alleles (0.00012%); highest among the groups gnomAD compares: East Asian, 0.0022%; no homozygotes.

Submission:

Ambry Genetics
Classification: Uncertain significance for Cardiovascular phenotype. Last evaluated: 2022-11-21. Review status: criteria provided, single submitter. Criteria: Ambry Variant Classification Scheme 2023. Collection method: clinical testing. Allele origin: germline.
Comment: The p.N4549K variant (also known as c.13647C>A), located in coding exon 29 of the APOB gene, results from a C to A substitution at nucleotide position 13647. The asparagine at codon 4549 is replaced by lysine, an amino acid with similar properties. This amino acid position is conserved. In addition, this alteration is predicted to be tolerated by in silico analysis. Since supporting evidence is limited at this time, the clinical significance of this alteration remains unclear.

NM_000384.3(APOB):c.13647C>A (p.Asn4549Lys)

Genes: APOB (apolipoprotein B; minus strand), APOB3'MAR (APOB 3' scaffold/matrix attachment region; plus strand). Cytogenetic location: 2p24.1.
Variant type: single nucleotide variant.
Coding change: c.13647C>A on transcript NM_000384.3 (MANE Select); coding-DNA position 13647, C replaced by A.
Protein change: p.Asn4549Lys; replaces asparagine 4549 with lysine.
Molecular consequence: missense variant.
Genome position (GRCh38, 1-based): chr2:21,001,775, G>T on the plus strand (C>A on the coding strand, the complement: APOB is on the minus strand). VCF-style: chr2-21001775-G-T. GRCh37 (hg19) VCF-style: chr2-21224647-G-T.
Other names: short protein forms N4549K.
Identifiers: ClinVar variation 2451292 (VCV002451292.2), dbSNP rs374018447, ClinGen allele CA345966797.